The following is an entry in ClinVar:

ClinVar aggregate classification (germline): Uncertain significance (1 of 4 stars; one submission).

Conditions:
Hereditary cancer-predisposing syndrome. Also called: Tumor predisposition; Hereditary Cancer Syndrome; Hereditary neoplastic syndrome; Neoplastic Syndromes, Hereditary. Identifiers: Orphanet 140162, MedGen C0027672, MeSH D009386, MONDO:0015356.

Submission:

Ambry Genetics
Classification: Uncertain significance for Hereditary cancer-predisposing syndrome. Last evaluated: 2025-12-06. Review status: criteria provided, single submitter. Criteria: Ambry Variant Classification Scheme 2023. Collection method: clinical testing. Allele origin: germline.
Comment: The p.Q550P variant (also known as c.1649A>C), located in coding exon 13 of the TSC1 gene, results from an A to C substitution at nucleotide position 1649. The glutamine at codon 550 is replaced by proline, an amino acid with similar properties. This amino acid position is conserved. In addition, the in silico prediction for this alteration is inconclusive. Based on the available evidence, the clinical significance of this variant remains unclear.

NM_000368.5(TSC1):c.1649A>C (p.Gln550Pro)

Gene: TSC1 (TSC complex subunit 1; minus strand). Cytogenetic location: 9q34.13.
Variant type: single nucleotide variant.
Coding change: c.1649A>C on transcript NM_000368.5 (MANE Select); coding-DNA position 1649, A replaced by C.
Protein change: p.Gln550Pro; replaces glutamine 550 with proline.
Molecular consequence: missense variant. On other transcripts: non-coding transcript variant (5).
Genome position (GRCh38, 1-based): chr9:132,905,929, T>G on the plus strand (A>C on the coding strand, the complement: TSC1 is on the minus strand). VCF-style: chr9-132905929-T-G. GRCh37 (hg19) VCF-style: chr9-135781316-T-G.
Other names: c.1646A>C, p.Gln549Pro (NM_001162426.2, NM_001406597.1, NM_001406598.1 and 6 more transcripts); c.1496A>C, p.Gln499Pro (NM_001162427.2, NM_001406610.1); c.1286A>C, p.Gln429Pro (NM_001362177.2, NM_001406614.1, NM_001406615.1 and 5 more transcripts); c.1649A>C, p.Gln550Pro (NM_001406592.1, NM_001406593.1, NM_001406594.1 and 7 more transcripts); c.1493A>C, p.Gln498Pro (NM_001406611.1, NM_001406612.1, NM_001406613.1); c.1283A>C, p.Gln428Pro (NM_001406620.1, NM_001406621.1, NM_001406622.1 and 2 more transcripts); c.698A>C, p.Gln233Pro (NM_001406626.1); c.695A>C, p.Gln232Pro (NM_001406627.1, NM_001406628.1); and 1 more; short protein forms Q232P, Q233P, Q428P, Q498P, Q549P, Q550P, Q199P, Q429P.
Identifiers: ClinVar variation 4554648 (VCV004554648.1).
Genomic context (GRCh38, chr9:132,905,929, plus strand): 5'-CTGTCTCCCGCAGGGCTTTCATCAGCACTGCCGCAGGGCAGGTCTATGGGAGTAAAGGCT[T>G]GCTTTGGTGTGTCAGGCCCAAGCTTGTCCAGGGAGGAGTGTAAAGGCTCAGGGTTCACGC-3'
Protein context (NP_000359.1, residues 540-560): LDKLGPDTPK[Gln550Pro]AFTPIDLPCG